The following is an entry in ClinVar:

ClinVar aggregate classification (germline): Uncertain significance (1 of 4 stars; one submission).

Submission:

Labcorp Genetics (formerly Invitae), Labcorp
Classification: Uncertain significance. Last evaluated: 2024-12-19. Review status: criteria provided, single submitter. Criteria: Invitae Variant Classification Sherloc (09022015). Collection method: clinical testing. Allele origin: germline.
Comment: This sequence change replaces aspartic acid, which is acidic and polar, with asparagine, which is neutral and polar, at codon 569 of the CACNA1D protein (p.Asp569Asn). This variant is not present in population databases (gnomAD no frequency). This variant has not been reported in the literature in individuals affected with CACNA1D-related conditions. Invitae Evidence Modeling of protein sequence and biophysical properties (such as structural, functional, and spatial information, amino acid conservation, physicochemical variation, residue mobility, and thermodynamic stability) indicates that this missense variant is not expected to disrupt CACNA1D protein function with a negative predictive value of 80%. In summary, the available evidence is currently insufficient to determine the role of this variant in disease. Therefore, it has been classified as a Variant of Uncertain Significance.

NM_001128840.3(CACNA1D):c.1645G>A (p.Asp549Asn)

Gene: CACNA1D (calcium voltage-gated channel subunit alpha1 D; plus strand). Cytogenetic location: 3p21.1.
Variant type: single nucleotide variant.
Coding change: c.1645G>A on transcript NM_001128840.3 (MANE Select); coding-DNA position 1645, G replaced by A.
Protein change: p.Asp549Asn; replaces aspartic acid 549 with asparagine.
Molecular consequence: missense variant.
Genome position (GRCh38, 1-based): chr3:53,722,453, G>A. VCF-style: chr3-53722453-G-A. GRCh37 (hg19) VCF-style: chr3-53756480-G-A.
Other names: c.1705G>A, p.Asp569Asn (NM_000720.4); c.1645G>A, p.Asp549Asn (NM_001128839.3); short protein forms D549N, D569N.
Identifiers: ClinVar variation 3679371 (VCV003679371.2).
Genomic context (GRCh38, chr3:53,722,453, plus strand): 5'-GTTATCGTCCTGGTGTTTCTGAACACCTTAACCATTTCCTCTGAGCACTACAATCAGCCA[G>A]ATTGGTTGACACAGATTCAAGGTACAAGCAGAGGCCATTCCTTTTTTGTTCTGAACTAGA-3'
Protein context (NP_001122312.1, residues 539-559): TISSEHYNQP[Asp549Asn]WLTQIQDIAN